The following is an entry in ClinVar:

ClinVar aggregate classification (germline): Uncertain significance. Review status: criteria provided, multiple submitters, no conflicts (2 of 4 stars). 2 submissions from 2 submitters: Uncertain significance (2). Last evaluated 2025-12-17.

Conditions:
Lymphangiomyomatosis (LAM). Also called: Lymphangioleiomyomatosis; Lymphangioleiomyomatosis, somatic. Identifiers: Orphanet 538, MedGen C0751674, MONDO:0011705, OMIM 606690.
Tuberous sclerosis 2 (TSC2). Identifiers: Orphanet 805, MedGen C1860707, MONDO:0013199, OMIM 613254.
Isolated focal cortical dysplasia type II (FCORD2). Also called: CORTICAL DYSPLASIA OF TAYLOR; Focal cortical dysplasia type II. Identifiers: Orphanet 268994, MedGen C1846385, MONDO:0011818, OMIM 607341, HP:0032051.

Submissions (2):

Labcorp Genetics (formerly Invitae), Labcorp
Classification: Uncertain significance for Tuberous sclerosis 2. Last evaluated: 2025-12-17. Review status: criteria provided, single submitter. Criteria: Invitae Variant Classification Sherloc (09022015). Collection method: clinical testing. Allele origin: germline.
Comment: This sequence change replaces threonine, which is neutral and polar, with isoleucine, which is neutral and non-polar, at codon 1025 of the TSC2 protein (p.Thr1025Ile). This variant is not present in population databases (gnomAD no frequency). This variant has not been reported in the literature in individuals affected with TSC2-related conditions. ClinVar contains an entry for this variant (Variation ID: 3578798). Invitae Evidence Modeling of protein sequence and biophysical properties (such as structural, functional, and spatial information, amino acid conservation, physicochemical variation, residue mobility, and thermodynamic stability) indicates that this missense variant is not expected to disrupt TSC2 protein function with a negative predictive value of 95%. In summary, the available evidence is currently insufficient to determine the role of this variant in disease. Therefore, it has been classified as a Variant of Uncertain Significance.

Fulgent Genetics
Classification: Uncertain significance for Lymphangiomyomatosis; Isolated focal cortical dysplasia type II; Tuberous sclerosis 2. Last evaluated: 2024-04-18. Review status: criteria provided, single submitter. Criteria: ACMG Guidelines, 2015. Collection method: clinical testing. Allele origin: germline.

NM_000548.5(TSC2):c.3074C>T (p.Thr1025Ile)

Gene: TSC2 (TSC complex subunit 2; plus strand). Cytogenetic location: 16p13.3.
Variant type: single nucleotide variant.
Coding change: c.3074C>T on transcript NM_000548.5 (MANE Select); coding-DNA position 3074, C replaced by T.
Protein change: p.Thr1025Ile; replaces threonine 1025 with isoleucine.
Molecular consequence: missense variant. On other transcripts: non-coding transcript variant (5).
Genome position (GRCh38, 1-based): chr16:2,079,139, C>T. VCF-style: chr16-2079139-C-T. GRCh37 (hg19) VCF-style: chr16-2129140-C-T.
Other names: c.2942C>T, p.Thr981Ile (NM_001077183.3, NM_001370404.1, NM_001406665.1); c.3074C>T, p.Thr1025Ile (NM_001114382.3); c.2834C>T, p.Thr945Ile (NM_001318827.2); c.2798C>T, p.Thr933Ile (NM_001318829.2); c.2342C>T, p.Thr781Ile (NM_001318831.2, NM_001406687.1, NM_001406688.1); c.2975C>T, p.Thr992Ile (NM_001318832.2); c.2945C>T, p.Thr982Ile (NM_001363528.2, NM_021055.3, NM_001370405.1); c.2924C>T, p.Thr975Ile (NM_001406676.1); and 18 more; short protein forms T447I, T577I, T978I, T988I, T781I, T828I, T945I, T976I.
Identifiers: ClinVar variation 3578798 (VCV003578798.2).